The following is an entry in ClinVar:

ClinVar aggregate classification (germline): Uncertain significance (1 of 4 stars; one submission).

Conditions:
Long QT syndrome 1 (LQT1). Identifiers: Orphanet 101016, Orphanet 768, MedGen C4551647, MONDO:0100316, OMIM 192500, MONDO:0008646.

gnomAD v4.1: 8 of 1,485,180 alleles (0.00054%); highest among the groups gnomAD compares: Non-Finnish European, 0.00073%; no homozygotes.

Submission:

Labcorp Genetics (formerly Invitae), Labcorp
Classification: Uncertain significance for Long QT syndrome 1. Last evaluated: 2025-03-20. Review status: criteria provided, single submitter. Criteria: Invitae Variant Classification Sherloc (09022015). Collection method: clinical testing. Allele origin: germline.
Comment: This sequence change falls in intron 5 of the CALM2 gene. It does not directly change the encoded amino acid sequence of the CALM2 protein. The frequency data for this variant in the population databases is considered unreliable, as metrics indicate poor data quality at this position in the gnomAD database. This variant has not been reported in the literature in individuals affected with CALM2-related conditions. Algorithms developed to predict the effect of sequence changes on RNA splicing suggest that this variant may disrupt the consensus splice site. In summary, the available evidence is currently insufficient to determine the role of this variant in disease. Therefore, it has been classified as a Variant of Uncertain Significance.

NM_001743.6(CALM2):c.422-10T>C

Gene: CALM2 (calmodulin 2; minus strand). Cytogenetic location: 2p21.
Variant type: single nucleotide variant.
Coding change: c.422-10T>C on transcript NM_001743.6 (MANE Select); 10 bases into the intron before coding-DNA position 422, T replaced by C.
Molecular consequence: intron variant.
Genome position (GRCh38, 1-based): chr2:47,160,814, A>G on the plus strand (T>C on the coding strand, the complement: CALM2 is on the minus strand). VCF-style: chr2-47160814-A-G. GRCh37 (hg19) VCF-style: chr2-47387953-A-G.
Other names: c.566-10T>C (NM_001305624.1); c.314-10T>C (NM_001305626.1, NM_001305625.2).
Identifiers: ClinVar variation 4750295 (VCV004750295.1).